The following is an entry in ClinVar:

NM_001256071.3(RNF213):c.12899G>A (p.Arg4300His)

Genes: RNF213 (ring finger protein 213; plus strand), RNF213-AS1 (RNF213 antisense RNA 1; minus strand). Cytogenetic location: 17q25.3.
Variant type: single nucleotide variant.
Coding change: c.12899G>A on transcript NM_001256071.3 (MANE Select); coding-DNA position 12899, G replaced by A.
Protein change: p.Arg4300His; replaces arginine 4300 with histidine.
Molecular consequence: missense variant.
Genome position (GRCh38, 1-based): chr17:80,373,122, G>A. VCF-style: chr17-80373122-G-A. GRCh37 (hg19) VCF-style: chr17-78346922-G-A.
Other names: c.13046G>A, p.Arg4349His (NM_001410195.1, NM_020914.5); short protein forms R4300H, R4349H.
Identifiers: ClinVar variation 4707182 (VCV004707182.1).

ClinVar aggregate classification (germline): Uncertain significance (1 of 4 stars; one submission).

gnomAD v4.1: 44 of 1,612,980 alleles (0.0027%); highest among the groups gnomAD compares: Middle Eastern, 0.034%; no homozygotes.

Submission:

Labcorp Genetics (formerly Invitae), Labcorp
Classification: Uncertain significance. Last evaluated: 2025-09-19. Review status: criteria provided, single submitter. Criteria: Invitae Variant Classification Sherloc (09022015). Collection method: clinical testing. Allele origin: germline.
Comment: This sequence change replaces arginine, which is basic and polar, with histidine, which is basic and polar, at codon 4300 of the RNF213 protein (p.Arg4300His). This variant is present in population databases (rs754276887, gnomAD 0.006%). This variant has not been reported in the literature in individuals affected with RNF213-related conditions. Invitae Evidence Modeling of protein sequence and biophysical properties (such as structural, functional, and spatial information, amino acid conservation, physicochemical variation, residue mobility, and thermodynamic stability) indicates that this missense variant is not expected to disrupt RNF213 protein function with a negative predictive value of 95%. In summary, the available evidence is currently insufficient to determine the role of this variant in disease. Therefore, it has been classified as a Variant of Uncertain Significance.